The following is an entry in ClinVar:

ClinVar aggregate classification (germline): Uncertain significance. Review status: criteria provided, multiple submitters, no conflicts (2 of 4 stars). 3 submissions from 3 submitters: Uncertain significance (2). 1 of the submissions does not count toward it. Last evaluated 2022-08-03.

Conditions:
Hyperornithinemia-hyperammonemia-homocitrullinuria syndrome (HHHS). Also called: Ornithine translocase deficiency; HHH SYNDROME. Identifiers: Orphanet 415, MedGen C0268540, MONDO:0009393, OMIM 238970.

Allele frequency attached by ClinVar (database versions not stated): gnomAD exomes below 0.00001 and 0.00001; ExAC 0.00001; TOPMed 0.00002.
gnomAD v4.1: 20 of 1,614,174 alleles (0.0012%); highest among the groups gnomAD compares: African/African-American, 0.0093%; no homozygotes.

Submissions (3):

Labcorp Genetics (formerly Invitae), Labcorp
Classification: Uncertain significance for Hyperornithinemia-hyperammonemia-homocitrullinuria syndrome. Last evaluated: 2022-08-03. Review status: criteria provided, single submitter. Criteria: Invitae Variant Classification Sherloc (09022015). Collection method: clinical testing. Allele origin: germline.
Comment: This sequence change replaces aspartic acid, which is acidic and polar, with asparagine, which is neutral and polar, at codon 49 of the SLC25A15 protein (p.Asp49Asn). This variant is present in population databases (rs539373322, gnomAD 0.0009%). This variant has not been reported in the literature in individuals affected with SLC25A15-related conditions. ClinVar contains an entry for this variant (Variation ID: 835323). Algorithms developed to predict the effect of missense changes on protein structure and function output the following: SIFT: "Tolerated"; PolyPhen-2: "Benign"; Align-GVGD: "Class C0". The asparagine amino acid residue is found in multiple mammalian species, which suggests that this missense change does not adversely affect protein function. In summary, the available evidence is currently insufficient to determine the role of this variant in disease. Therefore, it has been classified as a Variant of Uncertain Significance.

Mayo Clinic Laboratories, Mayo Clinic
Classification: Uncertain significance. Last evaluated: 2021-05-06. Review status: criteria provided, single submitter. Criteria: ACMG Guidelines, 2015. Collection method: clinical testing. Allele origin: germline.

Natera, Inc.
Classification: Uncertain significance for Hyperornithinemia-hyperammonemia-homocitrullinuria syndrome. Last evaluated: 2020-04-16. Review status: no assertion criteria provided. Collection method: clinical testing. Allele origin: germline. Not counted in ClinVar's aggregate classification.

NM_014252.4(SLC25A15):c.145G>A (p.Asp49Asn)

Gene: SLC25A15 (solute carrier family 25 member 15; plus strand). Cytogenetic location: 13q14.11.
Variant type: single nucleotide variant.
Coding change: c.145G>A on transcript NM_014252.4 (MANE Select); coding-DNA position 145, G replaced by A.
Protein change: p.Asp49Asn; replaces aspartic acid 49 with asparagine.
Molecular consequence: missense variant. On other transcripts: non-coding transcript variant (2).
Genome position (GRCh38, 1-based): chr13:40,799,146, G>A. VCF-style: chr13-40799146-G-A. GRCh37 (hg19) VCF-style: chr13-41373282-G-A.
Other names: p.Asp49Asn; short protein forms D49N.
Identifiers: ClinVar variation 835323 (VCV000835323.8), dbSNP rs539373322, ClinGen allele CA6959633.